The following is an entry in ClinVar:

NM_001148.6(ANK2):c.9953C>T (p.Ser3318Phe)

Gene: ANK2 (ankyrin 2; plus strand). Cytogenetic location: 4q26.
Variant type: single nucleotide variant.
Coding change: c.9953C>T on transcript NM_001148.6 (MANE Select); coding-DNA position 9953, C replaced by T.
Protein change: p.Ser3318Phe; replaces serine 3318 with phenylalanine.
Molecular consequence: missense variant. On other transcripts: intron variant (68).
Genome position (GRCh38, 1-based): chr4:113,358,571, C>T. VCF-style: chr4-113358571-C-T. GRCh37 (hg19) VCF-style: chr4-114279727-C-T.
Other names: c.9719C>T, p.Ser3240Phe (NM_001386142.1); c.6353C>T, p.Ser2118Phe (NM_001386166.1); c.10094C>T, p.Ser3365Phe (NM_001386174.1); c.10070C>T, p.Ser3357Phe (NM_001386175.1); c.4412-2252C>T (NM_001386186.2, NM_001386148.2); c.4214-2252C>T (NM_001354269.3); c.4292-2252C>T (NM_001386187.2); c.4253-2252C>T (NM_001386147.1); and 35 more; short protein forms S2118F, S3240F, S3318F, S3357F, S3365F.
Identifiers: ClinVar variation 4527959 (VCV004527959.1).

ClinVar aggregate classification (germline): Uncertain significance (1 of 4 stars; one submission).

Submission:

GeneDx
Classification: Uncertain significance. Last evaluated: 2025-04-30. Review status: criteria provided, single submitter. Criteria: GeneDx Variant Classification Process June 2021. Collection method: clinical testing. Allele origin: germline. Affected: yes.
Comment: Not observed at significant frequency in large population cohorts (gnomAD); In silico analysis supports that this missense variant has a deleterious effect on protein structure/function; Has not been previously published as pathogenic or benign to our knowledge